The following is an entry in ClinVar:

ClinVar aggregate classification (germline): Likely pathogenic (1 of 4 stars; one submission).

Conditions:
Aicardi-Goutieres syndrome 2. Identifiers: Orphanet 51, MedGen C3489724, MONDO:0012429, OMIM 610181.

Submission:

Labcorp Genetics (formerly Invitae), Labcorp
Classification: Likely pathogenic for Aicardi-Goutieres syndrome 2. Last evaluated: 2023-02-27. Review status: criteria provided, single submitter. Criteria: Invitae Variant Classification Sherloc (09022015). Collection method: clinical testing. Allele origin: germline.
Comment: In summary, the currently available evidence indicates that the variant is pathogenic, but additional data are needed to prove that conclusively. Therefore, this variant has been classified as Likely Pathogenic. Algorithms developed to predict the effect of sequence changes on RNA splicing suggest that this variant may disrupt the consensus splice site. This sequence change affects an acceptor splice site in intron 1 of the RNASEH2B gene. It is expected to disrupt RNA splicing. Variants that disrupt the donor or acceptor splice site typically lead to a loss of protein function (PMID: 16199547), and loss-of-function variants in RNASEH2B are known to be pathogenic (PMID: 17846997). This variant is not present in population databases (gnomAD no frequency). This variant has not been reported in the literature in individuals affected with RNASEH2B-related conditions.

Literature cited by the submitters: PubMed 16199547; PubMed 17846997.

NM_024570.4(RNASEH2B):c.65-1G>A

Gene: RNASEH2B (ribonuclease H2 subunit B; plus strand). Cytogenetic location: 13q14.3.
Variant type: single nucleotide variant.
Coding change: c.65-1G>A on transcript NM_024570.4 (MANE Select); the canonical splice acceptor site of the intron before coding-DNA position 65, G replaced by A.
Molecular consequence: splice acceptor variant.
Genome position (GRCh38, 1-based): chr13:50,927,406, G>A. VCF-style: chr13-50927406-G-A. GRCh37 (hg19) VCF-style: chr13-51501542-G-A.
Other names: c.65-1G>A (NM_001142279.2, NM_001411023.1).
Identifiers: ClinVar variation 2841406 (VCV002841406.3), dbSNP rs2541490868, ClinGen allele CA388258484.